The following is an entry in ClinVar:

ClinVar aggregate classification (germline): Uncertain significance. Review status: criteria provided, multiple submitters, no conflicts (2 of 4 stars). 2 submissions from 2 submitters: Uncertain significance (2). Last evaluated 2025-04-04.

Conditions:
Premature ovarian failure 16. Identifiers: MedGen C5231474, MONDO:0032881, OMIM 618723.
Muscular dystrophy-dystroglycanopathy (congenital with brain and eye anomalies), type A13. Also called: WALKER-WARBURG SYNDROME OR MUSCLE-EYE-BRAIN DISEASE, B3GNT1-RELATED; Muscular dystrophy-dystroglycanopathy (congenital with brain and eye anomalies), type a, 13. Identifiers: Orphanet 899, MedGen C3809042, MONDO:0014120, OMIM 615287.

Submissions (2):

Genomic Medicine Center of Excellence, King Faisal Specialist Hospital and Research Centre
Classification: Uncertain significance for Premature ovarian failure 16. Last evaluated: 2025-04-04. Review status: criteria provided, single submitter. Criteria: ACMG Guidelines, 2015. Collection method: clinical testing. Allele origin: germline.

Labcorp Genetics (formerly Invitae), Labcorp
Classification: Uncertain significance for Muscular dystrophy-dystroglycanopathy (congenital with brain and eye anomalies), type A13. Last evaluated: 2023-10-13. Review status: criteria provided, single submitter. Criteria: Invitae Variant Classification Sherloc (09022015). Collection method: clinical testing. Allele origin: germline.
Comment: This sequence change replaces arginine, which is basic and polar, with cysteine, which is neutral and slightly polar, at codon 414 of the B4GAT1 protein (p.Arg414Cys). This variant is present in population databases (rs562459083, gnomAD 0.007%). This variant has not been reported in the literature in individuals affected with B4GAT1-related conditions. ClinVar contains an entry for this variant (Variation ID: 1396950). An algorithm developed to predict the effect of missense changes on protein structure and function (PolyPhen-2) suggests that this variant is likely to be disruptive. In summary, the available evidence is currently insufficient to determine the role of this variant in disease. Therefore, it has been classified as a Variant of Uncertain Significance.

NM_006876.3(B4GAT1):c.1240C>T (p.Arg414Cys)

Gene: B4GAT1 (beta-1,4-glucuronyltransferase 1; minus strand). Cytogenetic location: 11q13.2.
Variant type: single nucleotide variant.
Coding change: c.1240C>T on transcript NM_006876.3 (MANE Select); coding-DNA position 1240, C replaced by T.
Protein change: p.Arg414Cys; replaces arginine 414 with cysteine.
Molecular consequence: missense variant.
Genome position (GRCh38, 1-based): chr11:66,346,057, G>A on the plus strand (C>T on the coding strand, the complement: B4GAT1 is on the minus strand). VCF-style: chr11-66346057-G-A. GRCh37 (hg19) VCF-style: chr11-66113528-G-A.
Other names: short protein forms R414C.
Identifiers: ClinVar variation 1396950 (VCV001396950.9), dbSNP rs562459083, ClinGen allele CA6120430.
Genomic context (GRCh38, chr11:66,346,057, plus strand): 5'-GGTGGCCTGAGGAGCCAAGAGGCTGACTTCTCAGATTAGGGGAGGGAAGGGCTCAGCAGC[G>A]TCGGGGAGAGTTGGGGTACTTGGCCTTCAACTCCTGTTTGAACTGGCGATATAGGATCTT-3'
Protein context (NP_006867.1, residues 404-415): LKAKYPNSPR[Arg414Cys]C